The following is an entry in ClinVar:

NM_005816.5(CD96):c.1645A>G (p.Lys549Glu)

Gene: CD96 (CD96 molecule; plus strand). Cytogenetic location: 3q13.2.
Variant type: single nucleotide variant.
Coding change: c.1645A>G on transcript NM_005816.5 (MANE Select); coding-DNA position 1645, A replaced by G.
Protein change: p.Lys549Glu; replaces lysine 549 with glutamic acid.
Molecular consequence: missense variant. On other transcripts: non-coding transcript variant (1).
Genome position (GRCh38, 1-based): chr3:111,649,741, A>G. VCF-style: chr3-111649741-A-G. GRCh37 (hg19) VCF-style: chr3-111368588-A-G.
Other names: c.1642A>G, p.Lys548Glu (NM_001410800.1); c.1693A>G, p.Lys565Glu (NM_198196.3); short protein forms K548E, K549E, K565E.
Identifiers: ClinVar variation 2965558 (VCV002965558.3), dbSNP rs765701422, ClinGen allele CA2534884.

ClinVar aggregate classification (germline): Uncertain significance (1 of 4 stars; one submission).

Allele frequency attached by ClinVar (database versions not stated): gnomAD 0.00001; ExAC 0.00002.
gnomAD v4.1: 2 of 1,614,076 alleles (0.00012%); highest among the groups gnomAD compares: East Asian, 0.0022%; no homozygotes.

Submission:

Labcorp Genetics (formerly Invitae), Labcorp
Classification: Uncertain significance. Last evaluated: 2023-03-20. Review status: criteria provided, single submitter. Criteria: Invitae Variant Classification Sherloc (09022015). Collection method: clinical testing. Allele origin: germline.
Comment: Advanced modeling of protein sequence and biophysical properties (such as structural, functional, and spatial information, amino acid conservation, physicochemical variation, residue mobility, and thermodynamic stability) has been performed at Invitae for this missense variant, however the output from this modeling did not meet the statistical confidence thresholds required to predict the impact of this variant on CD96 protein function. This sequence change replaces lysine, which is basic and polar, with glutamic acid, which is acidic and polar, at codon 565 of the CD96 protein (p.Lys565Glu). This variant is present in population databases (rs765701422, gnomAD 0.006%). This variant has not been reported in the literature in individuals affected with CD96-related conditions. In summary, the available evidence is currently insufficient to determine the role of this variant in disease. Therefore, it has been classified as a Variant of Uncertain Significance.